The following is an entry in ClinVar:

ClinVar aggregate classification (germline): Uncertain significance (1 of 4 stars; one submission).

Conditions:
Early-infantile DEE. Also called: Ohtahara syndrome; Early infantile epileptic encephalopathy; Early infantile epileptic encephalopathy with suppression bursts. Identifiers: Orphanet 1934, MedGen C0393706, MONDO:0800491.

Allele frequency attached by ClinVar (database versions not stated): TOPMed below 0.00001; gnomAD exomes 0.00001.
gnomAD v4.1: 3 of 1,614,196 alleles (0.00019%); highest among the groups gnomAD compares: Admixed American, 0.0017%; no homozygotes.

Submission:

Labcorp Genetics (formerly Invitae), Labcorp
Classification: Uncertain significance for Early-infantile DEE. Last evaluated: 2021-03-11. Review status: criteria provided, single submitter. Criteria: Invitae Variant Classification Sherloc (09022015). Collection method: clinical testing. Allele origin: germline.
Comment: This sequence change replaces arginine with cysteine at codon 37 of the SPTAN1 protein (p.Arg37Cys). The arginine residue is highly conserved and there is a large physicochemical difference between arginine and cysteine. This variant is not present in population databases (ExAC no frequency). This variant has not been reported in the literature in individuals with SPTAN1-related conditions. Algorithms developed to predict the effect of missense changes on protein structure and function (SIFT, PolyPhen-2, Align-GVGD) all suggest that this variant is likely to be disruptive, but these predictions have not been confirmed by published functional studies and their clinical significance is uncertain. In summary, the available evidence is currently insufficient to determine the role of this variant in disease. Therefore, it has been classified as a Variant of Uncertain Significance.

NM_001130438.3(SPTAN1):c.109C>T (p.Arg37Cys)

Gene: SPTAN1 (spectrin alpha, non-erythrocytic 1; plus strand). Cytogenetic location: 9q34.11.
Variant type: single nucleotide variant.
Coding change: c.109C>T on transcript NM_001130438.3 (MANE Select); coding-DNA position 109, C replaced by T.
Protein change: p.Arg37Cys; replaces arginine 37 with cysteine.
Molecular consequence: missense variant.
Genome position (GRCh38, 1-based): chr9:128,566,849, C>T. VCF-style: chr9-128566849-C-T. GRCh37 (hg19) VCF-style: chr9-131329128-C-T.
Other names: c.109C>T, p.Arg37Cys (NM_001195532.2, NM_001363759.2, NM_001363765.2 and 5 more transcripts); c.145C>T, p.Arg49Cys (NM_001375312.2, NM_001375318.1); short protein forms R49C, R37C.
Identifiers: ClinVar variation 1378280 (VCV001378280.9), dbSNP rs751473819, ClinGen allele CA200424983.